The following is an entry in ClinVar:

NM_001375.3(DNASE2):c.413C>T (p.Pro138Leu)

Gene: DNASE2 (deoxyribonuclease 2, lysosomal; minus strand). Cytogenetic location: 19p13.13.
Variant type: single nucleotide variant.
Coding change: c.413C>T on transcript NM_001375.3 (MANE Select); coding-DNA position 413, C replaced by T.
Protein change: p.Pro138Leu; replaces proline 138 with leucine.
Molecular consequence: missense variant.
Genome position (GRCh38, 1-based): chr19:12,878,768, G>A on the plus strand (C>T on the coding strand, the complement: DNASE2 is on the minus strand). VCF-style: chr19-12878768-G-A. GRCh37 (hg19) VCF-style: chr19-12989582-G-A.
Other names: c.413C>T (NM_001375.2); short protein forms P138L.
Identifiers: ClinVar variation 1417856 (VCV001417856.7), dbSNP rs763188696, ClinGen allele CA9233794.

ClinVar aggregate classification (germline): Conflicting classifications of pathogenicity. Review status: criteria provided, conflicting classifications (1 of 4 stars). 3 submissions from 3 submitters: Uncertain significance (1); Likely benign (2). Last evaluated 2024-11-25.

Allele frequency attached by ClinVar (database versions not stated): ExAC 0.00002; gnomAD exomes 0.00003; TOPMed 0.00004; gnomAD 0.00005 and 0.00009.
gnomAD v4.1: 51 of 1,613,898 alleles (0.0032%); highest among the groups gnomAD compares: Admixed American, 0.017%; no homozygotes.

Submissions (3):

Ambry Genetics
Classification: Likely benign. Last evaluated: 2024-11-25. Review status: criteria provided, single submitter. Criteria: Ambry Variant Classification Scheme 2023. Collection method: clinical testing. Allele origin: germline.

Blueprint Genetics
Classification: Likely benign. Last evaluated: 2024-11-07. Review status: criteria provided, single submitter. Criteria: ACMG Guidelines, 2015. Collection method: clinical testing. Allele origin: germline.

Labcorp Genetics (formerly Invitae), Labcorp
Classification: Uncertain significance. Last evaluated: 2022-09-26. Review status: criteria provided, single submitter. Criteria: Invitae Variant Classification Sherloc (09022015). Collection method: clinical testing. Allele origin: germline.
Comment: This sequence change replaces proline, which is neutral and non-polar, with leucine, which is neutral and non-polar, at codon 138 of the DNASE2 protein (p.Pro138Leu). This variant is present in population databases (rs763188696, gnomAD 0.01%). This variant has not been reported in the literature in individuals affected with DNASE2-related conditions. ClinVar contains an entry for this variant (Variation ID: 1417856). Algorithms developed to predict the effect of missense changes on protein structure and function output the following: SIFT: "Tolerated"; PolyPhen-2: "Benign"; Align-GVGD: "Class C0". The leucine amino acid residue is found in multiple mammalian species, which suggests that this missense change does not adversely affect protein function. In summary, the available evidence is currently insufficient to determine the role of this variant in disease. Therefore, it has been classified as a Variant of Uncertain Significance.